The following is an entry in ClinVar:

ClinVar aggregate classification (germline): Likely benign (0 of 4 stars; one submission).

Conditions:
GSTM1-related disorder. Also called: GSTM1-related condition.

Allele frequency attached by ClinVar (database versions not stated): gnomAD 0.00011; gnomAD exomes 0.00017; ExAC 0.00059.

Submission:

PreventionGenetics, part of Exact Sciences
Classification: Likely benign for GSTM1-related condition. Last evaluated: 2022-03-01. Review status: no assertion criteria provided. Collection method: clinical testing. Allele origin: germline.
Comment: This variant is classified as likely benign based on ACMG/AMP sequence variant interpretation guidelines (Richards et al. 2015 PMID: 25741868, with internal and published modifications).

NM_000561.4(GSTM1):c.244C>T (p.Arg82Cys)

Gene: GSTM1 (glutathione S-transferase mu 1; plus strand). Cytogenetic location: 1p13.3.
Variant type: single nucleotide variant.
Coding change: c.244C>T on transcript NM_000561.4 (MANE Select); coding-DNA position 244, C replaced by T.
Protein change: p.Arg82Cys; replaces arginine 82 with cysteine.
Molecular consequence: missense variant.
Genome position (GRCh38, 1-based): chr1:109,689,114, C>T. VCF-style: chr1-109689114-C-T. GRCh37 (hg19) VCF-style: chr1-110231736-C-T.
Other names: c.244C>T, p.Arg82Cys (NM_146421.3); short protein forms R82C.
Identifiers: ClinVar variation 3030837 (VCV003030837.2), dbSNP rs781451004, ClinGen allele CA994264.